The following is an entry in ClinVar:

ClinVar aggregate classification (germline): Pathogenic (1 of 4 stars; one submission).

gnomAD v4.1: 3 of 1,612,206 alleles (0.00019%); highest among the groups gnomAD compares: Non-Finnish European, 0.00025%; no homozygotes.

Submission:

Labcorp Genetics (formerly Invitae), Labcorp
Classification: Pathogenic. Last evaluated: 2025-02-27. Review status: criteria provided, single submitter. Criteria: Invitae Variant Classification Sherloc (09022015). Collection method: clinical testing. Allele origin: germline.
Comment: This sequence change replaces arginine, which is basic and polar, with proline, which is neutral and non-polar, at codon 557 of the MUT protein (p.Arg557Pro). This variant is present in population databases (no rsID available, gnomAD 0.0009%). This missense change has been observed in individual(s) with methylmalonic aciduria (PMID: 34389282, 36717752). In at least one individual the data is consistent with being in trans (on the opposite chromosome) from a pathogenic variant. Invitae Evidence Modeling of protein sequence and biophysical properties (such as structural, functional, and spatial information, amino acid conservation, physicochemical variation, residue mobility, and thermodynamic stability) indicates that this missense variant is expected to disrupt MUT protein function with a positive predictive value of 95%. For these reasons, this variant has been classified as Pathogenic.

Literature cited by the submitters: PubMed 34389282; PubMed 36717752.

NM_000255.4(MMUT):c.1670G>C (p.Arg557Pro)

Gene: MMUT (methylmalonyl-CoA mutase; minus strand). Cytogenetic location: 6p12.3.
Variant type: single nucleotide variant.
Coding change: c.1670G>C on transcript NM_000255.4 (MANE Select); coding-DNA position 1670, G replaced by C.
Protein change: p.Arg557Pro; replaces arginine 557 with proline.
Molecular consequence: missense variant.
Genome position (GRCh38, 1-based): chr6:49,444,645, C>G on the plus strand (G>C on the coding strand, the complement: MMUT is on the minus strand). VCF-style: chr6-49444645-C-G. GRCh37 (hg19) VCF-style: chr6-49412358-C-G.
Other names: short protein forms R557P.
Identifiers: ClinVar variation 3710259 (VCV003710259.2).